The following is an entry in ClinVar:

ClinVar aggregate classification (germline): Benign. Review status: criteria provided, multiple submitters, no conflicts (2 of 4 stars). 4 submissions from 4 submitters: Benign (4). Last evaluated 2021-09-05.

Conditions:
Familial X-linked hypophosphatemic vitamin D refractory rickets (XLHRD). Also called: X-Linked Hypophosphatemia; HYPOPHOSPHATEMIC VITAMIN D-RESISTANT RICKETS; Hypophosphatemic Rickets, X-Linked Dominant; Hypophosphatemia, vitamin D-resistant rickets; Vitamin D-resistant rickets, X-linked. Identifiers: Orphanet 89936, MedGen C0733682, MONDO:0010619, OMIM 307800.

Allele frequency attached by ClinVar (database versions not stated): gnomAD exomes 0.09316 and 0.10632; ExAC 0.09627; 1000 Genomes Project 0.10119; 1000 Genomes Project 30x 0.10468; gnomAD 0.12671 and 0.13118; TOPMed 0.12907; ESP Exome Variant Server 0.14182.
gnomAD v4.1: 119,173 of 1,098,422 alleles (11%); highest among the groups gnomAD compares: African/African-American, 21%; 5,045 homozygotes.

Submissions (4):

Genome-Nilou Lab
Classification: Benign for Familial X-linked hypophosphatemic vitamin D refractory rickets. Last evaluated: 2021-09-05. Review status: criteria provided, single submitter. Criteria: ACMG Guidelines, 2015. Collection method: clinical testing. Allele origin: germline. Affected: no.

Illumina Laboratory Services, Illumina
Classification: Benign for Familial X-linked hypophosphatemic vitamin D refractory rickets. Last evaluated: 2018-01-13. Review status: criteria provided, single submitter. Criteria: ICSL Variant Classification Criteria 13 December 2019. Collection method: clinical testing. Allele origin: germline.
Comment: This variant was observed in the ICSL laboratory as part of a predisposition screen in an ostensibly healthy population. It had not been previously curated by ICSL or reported in the Human Gene Mutation Database (HGMD: prior to June 1st, 2018), and was therefore a candidate for classification through an automated scoring system. Utilizing variant allele frequency, disease prevalence and penetrance estimates, and inheritance mode, an automated score was calculated to assess if this variant is too frequent to cause the disease. Based on the score and internal cut-off values, a variant classified as benign is not then subjected to further curation. The score for this variant resulted in a classification of benign for this disease.

GeneDx
Classification: Benign. Last evaluated: 2015-03-03. Review status: criteria provided, single submitter. Criteria: GeneDx Variant Classification Process June 2021. Collection method: clinical testing. Allele origin: germline. Affected: yes.

Breakthrough Genomics
Classification: Benign. Review status: criteria provided, single submitter. Criteria: ACMG Guidelines, 2015. Collection method: not provided. Allele origin: germline. Inheritance: X-linked inheritance. Affected: yes.

NM_000444.6(PHEX):c.-33C>T

Gene: PHEX (phosphate regulating endopeptidase X-linked; plus strand). Cytogenetic location: Xp22.11.
Variant type: single nucleotide variant.
Coding change: c.-33C>T on transcript NM_000444.6 (MANE Select); 33 bases upstream of the start codon, C replaced by T.
Molecular consequence: 5 prime UTR variant.
Genome position (GRCh38, 1-based): chrX:22,032,973, C>T. VCF-style: chrX-22032973-C-T. GRCh37 (hg19) VCF-style: chrX-22051091-C-T.
Other names: c.-33C>T (NM_001282754.2).
Identifiers: ClinVar variation 368156 (VCV000368156.10), dbSNP rs5951494, ClinGen allele CA10367944.
Genomic context (GRCh38, chrX:22,032,973, plus strand): 5'-AGAAAGCCTTGGATGTCAACGCCTCGCTCTTGAGACCAGCCACCAAACCACGAAAAGTGA[C>T]TTTCTTCTCGTGTGCTCTCTACGGCCCTTCTGATGGAAGCAGAAACAGGGAGCAGCGTGG-3'